The following is an entry in ClinVar:

ClinVar aggregate classification (germline): Pathogenic/Likely pathogenic. Review status: criteria provided, multiple submitters, no conflicts (2 of 4 stars). 2 submissions from 2 submitters: Pathogenic (1); Likely pathogenic (1). Last evaluated 2024-06-18.

Conditions:
BMPR2-related disorder. Also called: BMPR2-related disorders; BMPR2-related condition.

Submissions (2):

ARUP Laboratories, Molecular Genetics and Genomics, ARUP Laboratories
Classification: Pathogenic. Last evaluated: 2024-06-18. Review status: criteria provided, single submitter. Criteria: ARUP Molecular Germline Variant Investigation Process 2024. Collection method: clinical testing. Allele origin: germline.
Comment: The BMPR2 c.2221C>T; p.Gln741Ter variant, to our knowledge, is not reported in the medical literature or gene specific databases. This variant is absent from the Genome Aggregation Database (v2.1.1), indicating it is not a common polymorphism. This variant induces an early termination codon and is predicted to result in a truncated protein or mRNA subject to nonsense-mediated decay. Several downstream truncating BMPR2 variants have been reported in individuals with PAH and are considered causative (Deng 2000, Machado 2015, Wang 2019). Based on available information, the p.Gln741Ter variant is considered to be pathogenic. References: Deng Z et al. Familial primary pulmonary hypertension (gene PPH1) is caused by mutations in the bone morphogenetic protein receptor-II gene. Am J Hum Genet. 2000 Sep;67(3):737-44. PMID: 10903931. Machado RD et al. Pulmonary Arterial Hypertension: A Current Perspective on Established and Emerging Molecular Genetic Defects. Hum Mutat. 2015 Dec;36(12):1113-27. PMID: 26387786. Wang XJ et al. Germline BMP9 mutation causes idiopathic pulmonary arterial hypertension. Eur Respir J. 2019 Mar 14;53(3):1801609. PMID: 30578397.

Blueprint Genetics
Classification: Likely pathogenic for BMPR2-related disorders. Last evaluated: 2021-04-13. Review status: criteria provided, single submitter. Criteria: ACMG Guidelines, 2015. Collection method: clinical testing. Allele origin: germline. Affected: yes. Observed: 1 variant allele.

NM_001204.7(BMPR2):c.2221C>T (p.Gln741Ter)

Gene: BMPR2 (bone morphogenetic protein receptor type 2; plus strand). Cytogenetic location: 2q33.2.
Variant type: single nucleotide variant.
Coding change: c.2221C>T on transcript NM_001204.7 (MANE Select); coding-DNA position 2221, C replaced by T.
Protein change: p.Gln741Ter; replaces glutamine 741 with a stop codon.
Molecular consequence: nonsense.
Genome position (GRCh38, 1-based): chr2:202,555,886, C>T. VCF-style: chr2-202555886-C-T. GRCh37 (hg19) VCF-style: chr2-203420609-C-T.
Other names: short protein forms Q741*.
Identifiers: ClinVar variation 3766669 (VCV003766669.2).
Genomic context (GRCh38, chr2:202,555,886, plus strand): 5'-CAGGACTTCACACAGACTGCAAATGGCCAAGCATGTTTGATTCCTGATGTTCTGCCTACT[C>T]AGATCTATCCTCTCCCCAAGCAGCAGAACCTTCCCAAGAGACCTACTAGTTTGCCTTTGA-3'